The following is an entry in ClinVar:

ClinVar aggregate classification (germline): Uncertain significance. Review status: criteria provided, multiple submitters, no conflicts (2 of 4 stars). 2 submissions from 2 submitters: Uncertain significance (2). Last evaluated 2022-04-10.

Conditions:
Renal carnitine transport defect (CDSP). Also called: Carnitine transporter deficiency; Carnitine Deficiency, Systemic; Primary carnitine deficiency; Systemic primary carnitine deficiency; CARNITINE DEFICIENCY, SYSTEMIC, DUE TO DEFECT IN RENAL REABSORPTION OF CARNITINE; CARNITINE TRANSPORTER, PLASMA-MEMBRANE, DEFICIENCY OF. Identifiers: Orphanet 158, MedGen C0342788, MONDO:0008919, OMIM 212140.

gnomAD v4.1: 3 of 1,614,180 alleles (0.00019%); highest among the groups gnomAD compares: Non-Finnish European, 0.00025%; no homozygotes.

Submissions (2):

Labcorp Genetics (formerly Invitae), Labcorp
Classification: Uncertain significance for Renal carnitine transport defect. Last evaluated: 2022-04-10. Review status: criteria provided, single submitter. Criteria: Invitae Variant Classification Sherloc (09022015). Collection method: clinical testing. Allele origin: germline.
Comment: In summary, the available evidence is currently insufficient to determine the role of this variant in disease. Therefore, it has been classified as a Variant of Uncertain Significance. Advanced modeling of protein sequence and biophysical properties (such as structural, functional, and spatial information, amino acid conservation, physicochemical variation, residue mobility, and thermodynamic stability) performed at Invitae indicates that this missense variant is not expected to disrupt SLC22A5 protein function. ClinVar contains an entry for this variant (Variation ID: 904165). This variant has not been reported in the literature in individuals affected with SLC22A5-related conditions. This variant is present in population databases (no rsID available, gnomAD 0.0009%). This sequence change replaces aspartic acid, which is acidic and polar, with asparagine, which is neutral and polar, at codon 138 of the SLC22A5 protein (p.Asp138Asn).

Illumina Laboratory Services, Illumina
Classification: Uncertain significance for Renal carnitine transport defect. Last evaluated: 2018-01-13. Review status: criteria provided, single submitter. Criteria: ICSL Variant Classification Criteria 13 December 2019. Collection method: clinical testing. Allele origin: germline.

NM_003060.4(SLC22A5):c.412G>A (p.Asp138Asn)

Gene: SLC22A5 (solute carrier family 22 member 5; plus strand). Cytogenetic location: 5q31.1.
Variant type: single nucleotide variant.
Coding change: c.412G>A on transcript NM_003060.4 (MANE Select); coding-DNA position 412, G replaced by A.
Protein change: p.Asp138Asn; replaces aspartic acid 138 with asparagine.
Molecular consequence: missense variant.
Genome position (GRCh38, 1-based): chr5:132,378,396, G>A. VCF-style: chr5-132378396-G-A. GRCh37 (hg19) VCF-style: chr5-131714088-G-A.
Other names: c.484G>A, p.Asp162Asn (NM_001308122.2); short protein forms D138N, D162N.
Identifiers: ClinVar variation 904165 (VCV000904165.8), dbSNP rs534336326, ClinGen allele CA127202670.